The following is an entry in ClinVar:

NM_001382.4(DPAGT1):c.163C>G (p.Pro55Ala)

Genes: DPAGT1 (dolichyl-phosphate N-acetylglucosaminephosphotransferase 1; minus strand), LOC126861360 (BRD4-independent group 4 enhancer GRCh37_chr11:118972216-118973415; plus strand). Cytogenetic location: 11q23.3.
Variant type: single nucleotide variant.
Coding change: c.163C>G on transcript NM_001382.4 (MANE Select); coding-DNA position 163, C replaced by G.
Protein change: p.Pro55Ala; replaces proline 55 with alanine.
Molecular consequence: missense variant.
Genome position (GRCh38, 1-based): chr11:119,101,137, G>C on the plus strand (C>G on the coding strand, the complement: DPAGT1 is on the minus strand). VCF-style: chr11-119101137-G-C. GRCh37 (hg19) VCF-style: chr11-118971847-G-C.
Other names: c.163C>G (NM_001382.3); short protein forms P55A.
Identifiers: ClinVar variation 2924541 (VCV002924541.4), dbSNP rs1213498601, ClinGen allele CA382916149.

ClinVar aggregate classification (germline): Uncertain significance. Review status: criteria provided, multiple submitters, no conflicts (2 of 4 stars). 2 submissions from 2 submitters: Uncertain significance (2). Last evaluated 2025-11-20.

Conditions:
Inborn genetic diseases. Identifiers: MedGen C0950123, MeSH D030342.
DPAGT1-congenital disorder of glycosylation. Also called: CONGENITAL DISORDER OF GLYCOSYLATION, TYPE Ij; CDG Ij; DPAGT1-CDG. Identifiers: Orphanet 86309, MedGen C2931004, MONDO:0011964, OMIM 608093.
Congenital myasthenic syndrome 13 (CMS13). Also called: Myasthenic syndrome, congenital, 13, with tubular aggregates; Myasthenic syndrome, congenital, with tubular aggregates 2. Identifiers: Orphanet 353327, Orphanet 590, MedGen C3553645, MONDO:0013883, OMIM 614750.

Allele frequency attached by ClinVar (database versions not stated): gnomAD exomes below 0.00001.
gnomAD v4.1: 1 of 1,614,044 alleles (0.000062%); highest among the groups gnomAD compares: Admixed American, 0.0017%; no homozygotes.

Submissions (2):

Ambry Genetics
Classification: Uncertain significance for Inborn genetic diseases. Last evaluated: 2025-11-20. Review status: criteria provided, single submitter. Criteria: Ambry Variant Classification Scheme 2023. Collection method: clinical testing. Allele origin: germline.

Labcorp Genetics (formerly Invitae), Labcorp
Classification: Uncertain significance for Congenital myasthenic syndrome 13; DPAGT1-congenital disorder of glycosylation. Last evaluated: 2023-11-24. Review status: criteria provided, single submitter. Criteria: Invitae Variant Classification Sherloc (09022015). Collection method: clinical testing. Allele origin: germline.
Comment: This sequence change replaces proline, which is neutral and non-polar, with alanine, which is neutral and non-polar, at codon 55 of the DPAGT1 protein (p.Pro55Ala). This variant is not present in population databases (gnomAD no frequency). This variant has not been reported in the literature in individuals affected with DPAGT1-related conditions. An algorithm developed to predict the effect of missense changes on protein structure and function (PolyPhen-2) suggests that this variant is likely to be disruptive. Algorithms developed to predict the effect of sequence changes on RNA splicing suggest that this variant may create or strengthen a splice site. In summary, the available evidence is currently insufficient to determine the role of this variant in disease. Therefore, it has been classified as a Variant of Uncertain Significance.